The following is an entry in ClinVar:

NM_144643.4(SCLT1):c.165_167del (p.Phe55del)

Gene: SCLT1 (sodium channel and clathrin linker 1; minus strand). Cytogenetic location: 4q28.2.
Variant type: Deletion.
Coding change: c.165_167del on transcript NM_144643.4 (MANE Select); coding-DNA positions 165 to 167, 3 bases deleted (TTT; older notation c.165_167delTTT).
Protein change: p.Phe55del; deletes phenylalanine 55.
Molecular consequence: inframe deletion.
Genome position (GRCh38, 1-based): chr4:129,043,462-129,043,464, AAA deleted on the plus strand (TTT on the coding strand, the reverse complement: SCLT1 is on the minus strand); deleting any 3 consecutive bases within chr4:129,043,462-129,043,466 gives the same sequence; the c. name uses the placement nearest the transcript's 3' end. VCF-style (leftmost placement, unchanged base first): chr4-129043461-TAAA-T. GRCh37 (hg19) VCF-style: chr4-129964616-TAAA-T.
Other names: c.165_167del, p.Phe55del (NM_001300897.2, NM_001300898.2, NM_001410807.1); short protein forms F55del.
Identifiers: ClinVar variation 3775961 (VCV003775961.2).

ClinVar aggregate classification (germline): Uncertain significance. Review status: criteria provided, multiple submitters, no conflicts (2 of 4 stars). 2 submissions from 2 submitters: Uncertain significance (2). Last evaluated 2025-06-06.

Conditions:
SCLT1-related disorder. Also called: SCLT1-related condition.
Retinal dystrophy. Also called: Inherited retinal dystrophy. Identifiers: Orphanet 71862, MedGen C0854723, MeSH D058499, MONDO:0019118, HP:0000556.

Submissions (2):

Ocular Genomics Institute, Massachusetts Eye and Ear
Classification: Uncertain significance for Retinal dystrophy. Last evaluated: 2025-06-06. Review status: criteria provided, single submitter. Criteria: ACMG Guidelines, 2015. Collection method: research. Allele origin: germline. Affected: yes. Observed: 1 variant allele.
Comment: The NM_144643.4 c.165_167del p.(Phe55del) is a single amino acid deletion variant in SCLT1. This variant is rare in GnomADv4 (PM2), and it was found in trans with a pathogenic variant (PM3).

3billion
Classification: Uncertain significance for SCLT1-related disorder. Last evaluated: 2023-07-28. Review status: criteria provided, single submitter. Criteria: ACMG Guidelines, 2015. Collection method: clinical testing. Allele origin: germline. Affected: yes.
Comment: The variant is observed at an extremely low frequency in the gnomAD v2.1.1 dataset (total allele frequency: 0.000%). Predicted Consequence/Location: Inframe deletion located in a nonrepeat region: predicted to change the length of the protein and disrupt normal protein function. Therefore, this variant is classified as VUS according to the recommendation of ACMG/AMP guideline.

Literature cited by the submitters: PubMed 40470183 (cited by Ocular Genomics Institute, Massachusetts Eye and Ear).